The following is an entry in ClinVar:

NM_004006.3(DMD):c.5031C>G (p.Tyr1677Ter)

Gene: DMD (dystrophin; minus strand). Cytogenetic location: Xp21.1.
Variant type: single nucleotide variant.
Coding change: c.5031C>G on transcript NM_004006.3 (MANE Select); coding-DNA position 5031, C replaced by G.
Protein change: p.Tyr1677Ter; replaces tyrosine 1677 with a stop codon.
Molecular consequence: nonsense.
Genome position (GRCh38, 1-based): chrX:32,364,705, G>C on the plus strand (C>G on the coding strand, the complement: DMD is on the minus strand). VCF-style: chrX-32364705-G-C. GRCh37 (hg19) VCF-style: chrX-32382822-G-C.
Other names: c.5007C>G, p.Tyr1669Ter (NM_000109.4); c.5019C>G, p.Tyr1673Ter (NM_004009.3); c.4662C>G, p.Tyr1554Ter (NM_004010.3); c.1008C>G, p.Tyr336Ter (NM_004011.4); c.999C>G, p.Tyr333Ter (NM_004012.4); short protein forms Y1673*, Y336*, Y1554*, Y1669*, Y333*, Y1677*.
Identifiers: ClinVar variation 2093621 (VCV002093621.4), dbSNP rs748811241, ClinGen allele CA412671692.
Genomic context (GRCh38, chrX:32,364,705, plus strand): 5'-CTGAATGATCCACTTTGTGATGTGGTCCACATTCTGGTCAAAAGTTTCCATGTGTTTCTG[G>C]TATTCCTTAATTGTACAGAGACATACCATGGCATTATTGGTTAGACAATATTCTTAAAGA-3'

ClinVar aggregate classification (germline): Pathogenic (1 of 4 stars; one submission).

Conditions:
Duchenne muscular dystrophy (DMD). Also called: MUSCULAR DYSTROPHY, PSEUDOHYPERTROPHIC PROGRESSIVE, DUCHENNE TYPE; Duchenne Muscular Dystrophy (DMD). Identifiers: Orphanet 98896, MedGen C0013264, MONDO:0010679, OMIM 310200.

Submission:

Labcorp Genetics (formerly Invitae), Labcorp
Classification: Pathogenic for Duchenne muscular dystrophy. Last evaluated: 2022-02-05. Review status: criteria provided, single submitter. Criteria: Invitae Variant Classification Sherloc (09022015). Collection method: clinical testing. Allele origin: germline.
Comment: For these reasons, this variant has been classified as Pathogenic. This premature translational stop signal has been observed in individual(s) with Duchenne muscular dystrophy (PMID: 19783145). This variant is not present in population databases (gnomAD no frequency). This sequence change creates a premature translational stop signal (p.Tyr1677*) in the DMD gene. It is expected to result in an absent or disrupted protein product. Loss-of-function variants in DMD are known to be pathogenic (PMID: 16770791, 25007885).

Literature cited by the submitters: PubMed 19783145; PubMed 16770791; PubMed 25007885.